The following is an entry in ClinVar:

ClinVar aggregate classification (germline): Likely benign (1 of 4 stars; one submission).

Allele frequency attached by ClinVar (database versions not stated): gnomAD exomes below 0.00001; TOPMed below 0.00001; gnomAD 0.00001.
gnomAD v4.1: 6 of 1,613,858 alleles (0.00037%); highest among the groups gnomAD compares: Non-Finnish European, 0.00051%; no homozygotes.

Submission:

CeGaT Center for Human Genetics Tuebingen
Classification: Likely benign. Last evaluated: 2022-11-01. Review status: criteria provided, single submitter. Criteria: CeGaT Center For Human Genetics Tuebingen Variant Classification Criteria Version 2. Collection method: clinical testing. Allele origin: germline. Affected: yes. Observed: 1 variant allele.
Comment: MFRP: BP4, BP7

NM_031433.4(MFRP):c.924C>G (p.Leu308=)

Genes: C1QTNF5 (C1q and TNF related 5; minus strand), MFRP (membrane frizzled-related protein; minus strand). Cytogenetic location: 11q23.3.
Variant type: single nucleotide variant.
Coding change: c.924C>G on transcript NM_031433.4 (MANE Select); coding-DNA position 924, C replaced by G.
Protein change: p.Leu308=; no amino-acid change (leucine 308 retained).
Molecular consequence: synonymous variant. On other transcripts: 5 prime UTR variant (1).
Genome position (GRCh38, 1-based): chr11:119,344,366, G>C on the plus strand (C>G on the coding strand, the complement: MFRP is on the minus strand). VCF-style: chr11-119344366-G-C. GRCh37 (hg19) VCF-style: chr11-119215076-G-C.
Other names: c.-1713C>G (NM_015645.5).
Identifiers: ClinVar variation 2642465 (VCV002642465.22), dbSNP rs1251848371, ClinGen allele CA477156109.